The following is an entry in ClinVar:

ClinVar aggregate classification (germline): Uncertain significance (1 of 4 stars; one submission).

Conditions:
Hereditary cancer-predisposing syndrome. Also called: Neoplastic Syndromes, Hereditary; Tumor predisposition; Hereditary neoplastic syndrome; Hereditary Cancer Syndrome. Identifiers: Orphanet 140162, MedGen C0027672, MeSH D009386, MONDO:0015356.

Submission:

Ambry Genetics
Classification: Uncertain significance for Hereditary cancer-predisposing syndrome. Last evaluated: 2026-07-30. Review status: criteria provided, single submitter. Criteria: Ambry Variant Classification Scheme 2023. Collection method: clinical testing. Allele origin: germline.
Comment: The p.E1286* variant (also known as c.3856G>T), located in coding exon 26 of the SMARCA4 gene, results from a G to T substitution at nucleotide position 3856. This changes the amino acid from a glutamic acid to a stop codon within coding exon 26. This alteration is expected to result in loss of function by premature protein truncation or nonsense-mediated mRNA decay. However, this region of the gene is excluded from other biologically relevant transcripts. Based on the available evidence, the clinical significance of this variant remains unclear.

NM_003072.5(SMARCA4):c.3856G>T (p.Glu1286Ter)

Gene: SMARCA4 (SWI/SNF related BAF chromatin remodeling complex subunit ATPase 4; plus strand). Cytogenetic location: 19p13.2.
Variant type: single nucleotide variant.
Coding change: c.3856G>T on transcript NM_003072.5 (MANE Select); coding-DNA position 3856, G replaced by T.
Protein change: p.Glu1286Ter; replaces glutamic acid 1286 with a stop codon.
Molecular consequence: nonsense. On other transcripts: intron variant (6).
Genome position (GRCh38, 1-based): chr19:11,033,848, G>T. VCF-style: chr19-11033848-G-T. GRCh37 (hg19) VCF-style: chr19-11144524-G-T.
Other names: c.3775-275G>T (NM_001128848.2, NM_001128847.4, NM_001411150.1 and 3 more transcripts); c.3856G>T, p.Glu1286Ter (NM_001128844.3, NM_001128849.3, NM_001387283.1); short protein forms E1286*.
Identifiers: ClinVar variation 5029867 (VCV005029867.1).